The following is an entry in ClinVar:

ClinVar aggregate classification (germline): Uncertain significance (1 of 4 stars; one submission).

Conditions:
Familial hypocalciuric hypercalcemia (FHH). Also called: Familial benign hypercalcemia. Identifiers: Orphanet 405, MedGen C1809471, MONDO:0018458.
Autosomal dominant hypocalcemia 1 (HYPOC1). Also called: HYPOCALCEMIA, FAMILIAL. Identifiers: MedGen C3715128, MONDO:0011013, OMIM 601198.

Allele frequency attached by ClinVar (database versions not stated): gnomAD exomes below 0.00001 and 0.00002; ExAC 0.00001; gnomAD 0.00002; TOPMed 0.00002; ESP Exome Variant Server 0.00008.
gnomAD v4.1: 10 of 1,614,162 alleles (0.00062%); highest among the groups gnomAD compares: African/African-American, 0.0013%; no homozygotes.

Submission:

Labcorp Genetics (formerly Invitae), Labcorp
Classification: Uncertain significance for Familial hypocalciuric hypercalcemia; Autosomal dominant hypocalcemia 1. Last evaluated: 2024-04-22. Review status: criteria provided, single submitter. Criteria: Invitae Variant Classification Sherloc (09022015). Collection method: clinical testing. Allele origin: germline.
Comment: This sequence change replaces glutamic acid, which is acidic and polar, with aspartic acid, which is acidic and polar, at codon 604 of the CASR protein (p.Glu604Asp). This variant is present in population databases (rs147376568, gnomAD 0.003%). This variant has not been reported in the literature in individuals affected with CASR-related conditions. ClinVar contains an entry for this variant (Variation ID: 570033). An algorithm developed to predict the effect of missense changes on protein structure and function (PolyPhen-2) suggests that this variant is likely to be disruptive. In summary, the available evidence is currently insufficient to determine the role of this variant in disease. Therefore, it has been classified as a Variant of Uncertain Significance.

NM_000388.4(CASR):c.1812G>C (p.Glu604Asp)

Gene: CASR (calcium sensing receptor; plus strand). Cytogenetic location: 3q21.1.
Variant type: single nucleotide variant.
Coding change: c.1812G>C on transcript NM_000388.4 (MANE Select); coding-DNA position 1812, G replaced by C.
Protein change: p.Glu604Asp; replaces glutamic acid 604 with aspartic acid.
Molecular consequence: missense variant.
Genome position (GRCh38, 1-based): chr3:122,283,766, G>C. VCF-style: chr3-122283766-G-C. GRCh37 (hg19) VCF-style: chr3-122002613-G-C.
Other names: c.1842G>C, p.Glu614Asp (NM_001178065.2); short protein forms E604D, E614D.
Identifiers: ClinVar variation 570033 (VCV000570033.10), dbSNP rs147376568, ClinGen allele CA2569746.
Genomic context (GRCh38, chr3:122,283,766, plus strand): 5'-GTGCCCAGATGACTTCTGGTCCAATGAGAACCACACCTCCTGCATTGCCAAGGAGATCGA[G>C]TTTCTGTCGTGGACGGAGCCCTTTGGGATCGCACTCACCCTCTTTGCCGTGCTGGGCATT-3'
Protein context (NP_000379.3, residues 594-614): NHTSCIAKEI[Glu604Asp]FLSWTEPFGI